The following is an entry in ClinVar:

NM_004304.5(ALK):c.2029T>A (p.Phe677Ile)

Gene: ALK (ALK receptor tyrosine kinase; minus strand). Cytogenetic location: 2p23.2.
Variant type: single nucleotide variant.
Coding change: c.2029T>A on transcript NM_004304.5 (MANE Select); coding-DNA position 2029, T replaced by A.
Protein change: p.Phe677Ile; replaces phenylalanine 677 with isoleucine.
Molecular consequence: missense variant.
Genome position (GRCh38, 1-based): chr2:29,275,111, A>T on the plus strand (T>A on the coding strand, the complement: ALK is on the minus strand). VCF-style: chr2-29275111-A-T. GRCh37 (hg19) VCF-style: chr2-29497977-A-T.
Other names: short protein forms F677I.
Identifiers: ClinVar variation 4824815 (VCV004824815.1).

ClinVar aggregate classification (germline): Uncertain significance (1 of 4 stars; one submission).

Conditions:
Hereditary cancer-predisposing syndrome. Also called: Neoplastic Syndromes, Hereditary; Hereditary neoplastic syndrome; Tumor predisposition; Hereditary Cancer Syndrome. Identifiers: Orphanet 140162, MedGen C0027672, MeSH D009386, MONDO:0015356.

Submission:

Ambry Genetics
Classification: Uncertain significance for Hereditary cancer-predisposing syndrome. Last evaluated: 2026-01-24. Review status: criteria provided, single submitter. Criteria: Ambry Variant Classification Scheme 2023. Collection method: clinical testing. Allele origin: germline.
Comment: The p.F677I variant (also known as c.2029T>A), located in coding exon 11 of the ALK gene, results from a T to A substitution at nucleotide position 2029. The phenylalanine at codon 677 is replaced by isoleucine, an amino acid with highly similar properties. This amino acid position is conserved. In addition, the in silico prediction for this alteration is inconclusive. Based on the available evidence, the clinical significance of this variant remains unclear.